The following is an entry in ClinVar:

NM_001363711.2(DUOX2):c.1180_1181del (p.Met394fs)

Gene: DUOX2 (dual oxidase 2; minus strand). Cytogenetic location: 15q21.1.
Variant type: Deletion.
Coding change: c.1180_1181del on transcript NM_001363711.2 (MANE Select); coding-DNA positions 1180 to 1181, 2 bases deleted (AT; older notation c.1180_1181delAT).
Protein change: p.Met394fs; shifts the reading frame from methionine 394.
Molecular consequence: frameshift variant.
Genome position (GRCh38, 1-based): chr15:45,109,577-45,109,578, AT deleted on the plus strand (AT on the coding strand, the reverse complement: DUOX2 is on the minus strand). VCF-style (leftmost placement, unchanged base first): chr15-45109576-CAT-C. GRCh37 (hg19) VCF-style: chr15-45401774-CAT-C.
Other names: c.1180_1181del, p.Met394fs (NM_014080.5); short protein forms M394fs.
Identifiers: ClinVar variation 2081186 (VCV002081186.10), dbSNP rs2504777565, ClinGen allele CA2580089571.

ClinVar aggregate classification (germline): Pathogenic. Review status: criteria provided, multiple submitters, no conflicts (2 of 4 stars). 2 submissions from 2 submitters: Pathogenic (2). Last evaluated 2025-11-01.

Submissions (2):

CeGaT Center for Human Genetics Tuebingen
Classification: Pathogenic. Last evaluated: 2025-11-01. Review status: criteria provided, single submitter. Criteria: CeGaT Center For Human Genetics Tuebingen Variant Classification Criteria Version 2. Collection method: clinical testing. Allele origin: germline. Affected: yes. Observed: 1 variant allele.
Comment: DUOX2: PVS1, PM2

Labcorp Genetics (formerly Invitae), Labcorp
Classification: Pathogenic. Last evaluated: 2023-06-21. Review status: criteria provided, single submitter. Criteria: Invitae Variant Classification Sherloc (09022015). Collection method: clinical testing. Allele origin: germline.
Comment: This sequence change creates a premature translational stop signal (p.Met394Glyfs*14) in the DUOX2 gene. It is expected to result in an absent or disrupted protein product. Loss-of-function variants in DUOX2 are known to be pathogenic (PMID: 12110737, 18765513, 21565790, 24423310, 24735383). For these reasons, this variant has been classified as Pathogenic. ClinVar contains an entry for this variant (Variation ID: 2081186). This variant has not been reported in the literature in individuals affected with DUOX2-related conditions. This variant is not present in population databases (gnomAD no frequency).

Literature cited by the submitters: PubMed 12110737 (cited by Labcorp Genetics (formerly Invitae), Labcorp); PubMed 18765513 (cited by Labcorp Genetics (formerly Invitae), Labcorp); PubMed 21565790 (cited by Labcorp Genetics (formerly Invitae), Labcorp); PubMed 24423310 (cited by Labcorp Genetics (formerly Invitae), Labcorp); PubMed 24735383 (cited by Labcorp Genetics (formerly Invitae), Labcorp).